The following is an entry in ClinVar:

Conditions:
Breast-ovarian cancer, familial, susceptibility to, 1 (BROVCA1). Also called: BRCA1 Hereditary Breast and Ovarian Cancer; OVARIAN CANCER, SUSCEPTIBILITY TO. Identifiers: Orphanet 145, MedGen C2676676, MONDO:0011450, OMIM 604370. Disease mechanism: loss of function.

Submission:

Brotman Baty Institute, University of Washington
No classification provided (evidence only). Condition: Breast-ovarian cancer, familial 1. Review status: no classification provided. Collection method: in vitro. Allele origin: not applicable. Functional consequence: functionally_normal.
ClinVar note: "not provided" was previously submitted as the classification for the variant. However, the classification appeared to be based only on an observation of functional data so it was converted to no classification on 2025-07-30.

NM_007294.4(BRCA1):c.5119A>G (p.Ile1707Val)

Gene: BRCA1 (BRCA1 DNA repair associated; minus strand). Cytogenetic location: 17q21.31.
Variant type: single nucleotide variant.
Coding change: c.5119A>G on transcript NM_007294.4 (MANE Select); coding-DNA position 5119, A replaced by G.
Protein change: p.Ile1707Val; replaces isoleucine 1707 with valine.
Molecular consequence: missense variant. On other transcripts: non-coding transcript variant (1).
Genome position (GRCh38, 1-based): chr17:43,063,907, T>C on the plus strand (A>G on the coding strand, the complement: BRCA1 is on the minus strand). VCF-style: chr17-43063907-T-C. GRCh37 (hg19) VCF-style: chr17-41215924-T-C.
Other names: c.4906A>G, p.Ile1636Val (NM_001407571.1, NM_001407904.1, NM_001407906.1 and 12 more transcripts); c.5185A>G, p.Ile1729Val (NM_001407581.1, NM_001407582.1); c.5182A>G, p.Ile1728Val (NM_001407583.1, NM_001407585.1, NM_001407587.1 and 1 more transcripts); c.5116A>G, p.Ile1706Val (NM_001407610.1, NM_001407611.1, NM_001407612.1 and 17 more transcripts); c.5113A>G, p.Ile1705Val (NM_001407629.1, NM_001407630.1, NM_001407631.1 and 14 more transcripts); c.5059A>G, p.Ile1687Val (NM_001407649.1); c.5041A>G, p.Ile1681Val (NM_001407653.1, NM_001407654.1, NM_001407655.1); c.5038A>G, p.Ile1680Val (NM_001407656.1, NM_001407657.1, NM_001407658.1); and 71 more; short protein forms I603V, I1728V, I1660V, I1707V, I1553V, I1618V, I1636V, I1638V.
Identifiers: ClinVar variation 869055 (VCV000869055.3), dbSNP rs1597820147, ClinGen allele CA10591298.
Genomic context (GRCh38, chr17:43,063,907, plus strand): 5'-GGAGGGGAGAAATAGTATTATACTTACAGAAATAGCTAACTACCCATTTTCCTCCCGCAA[T>C]TCCTAGAAAATATTTCAGTGTCCGTTCACACACAAACTCAGCATCTGCAGAATGAAAAAC-3'
Protein context (NP_009225.1, residues 1697-1717): CERTLKYFLG[Ile1707Val]AGGKWVVSYF